The following is an entry in ClinVar:

NM_207122.2(EXT2):c.11C>T (p.Ser4Leu)

Gene: EXT2 (exostosin glycosyltransferase 2; plus strand). Cytogenetic location: 11p11.2.
Variant type: single nucleotide variant.
Coding change: c.11C>T on transcript NM_207122.2 (MANE Select); coding-DNA position 11, C replaced by T.
Protein change: p.Ser4Leu; replaces serine 4 with leucine.
Molecular consequence: missense variant.
Genome position (GRCh38, 1-based): chr11:44,107,723, C>T. VCF-style: chr11-44107723-C-T. GRCh37 (hg19) VCF-style: chr11-44129273-C-T.
Other names: c.110C>T, p.Ser37Leu (NM_000401.3); c.11C>T, p.Ser4Leu (NM_001178083.3, NM_001389628.1, NM_001389630.1); short protein forms S37L, S4L.
Identifiers: ClinVar variation 304572 (VCV000304572.16), dbSNP rs527624522, ClinGen allele CA5954803.
Genomic context (GRCh38, chr11:44,107,723, plus strand): 5'-TTTCTCTCCCTGGTGACCAGGAGTGTGAGGAAGAGGCTGTCTGTGTCATTATGTGTGCGT[C>T]GGTCAAGTATAATATCCGGGGTCCTGCCCTCATCCCAAGAATGAAGACCAAGCACCGAAT-3'
Protein context (NP_997005.1, residues 1-14): MCA[Ser4Leu]VKYNIRGPAL

ClinVar aggregate classification (germline): Conflicting classifications of pathogenicity. Review status: criteria provided, conflicting classifications (1 of 4 stars). 6 submissions from 6 submitters: Likely pathogenic (1); Uncertain significance (3); Likely benign (1). 1 of the submissions does not count toward it. Last evaluated 2025-06-04.

Conditions:
Seizures-scoliosis-macrocephaly syndrome. Also called: Seizures, scoliosis, and macrocephaly syndrome; SEIZURES, SCOLIOSIS, AND MACROCEPHALY/MICROCEPHALY SYNDROME. Identifiers: Orphanet 466926, MedGen C4225248, MONDO:0014731, OMIM 616682.
Exostoses, multiple, type 2 (EXT2). Also called: Hereditary Multiple Osteochondromatosis, Type II; EXOSTOSES, MULTIPLE, TYPE II. Identifiers: Orphanet 321, MedGen C1851413, MONDO:0007586, OMIM 133701.

Allele frequency attached by ClinVar (database versions not stated): gnomAD 0.00002 and 0.00004; TOPMed 0.00002; gnomAD exomes 0.00004 and 0.00006; ExAC 0.00006; 1000 Genomes Project 30x 0.00016; 1000 Genomes Project 0.00020.
gnomAD v4.1: 61 of 1,614,140 alleles (0.0038%); highest among the groups gnomAD compares: Middle Eastern, 0.066%; 2 homozygotes.

Submissions (6):

Labcorp Genetics (formerly Invitae), Labcorp
Classification: Uncertain significance for Exostoses, multiple, type 2. Last evaluated: 2025-06-04. Review status: criteria provided, single submitter. Criteria: Invitae Variant Classification Sherloc (09022015). Collection method: clinical testing. Allele origin: germline.
Comment: This sequence change replaces serine, which is neutral and polar, with leucine, which is neutral and non-polar, at codon 4 of the EXT2 protein (p.Ser4Leu). This variant is present in population databases (rs527624522, gnomAD 0.03%). This missense change has been observed in individual(s) with an autosomal recessive EXT2-related neurodevelopmental condition (PMID: 30075207). It has also been observed to segregate with disease in related individuals. Invitae Evidence Modeling of clinical and family history, age, sex, and reported ancestry of multiple individuals with this EXT2 variant has been performed. This variant is expected to be benign with a negative predictive value of at least 95%. This is a validated machine learning model that incorporates the clinical features of 66,185 individuals referred to our laboratory for EXT2 testing. ClinVar contains an entry for this variant (Variation ID: 304572). Invitae Evidence Modeling of protein sequence and biophysical properties (such as structural, functional, and spatial information, amino acid conservation, physicochemical variation, residue mobility, and thermodynamic stability) indicates that this missense variant is not expected to disrupt EXT2 protein function with a negative predictive value of 95%. In summary, the available evidence is currently insufficient to determine the role of this variant in disease. Therefore, it has been classified as a Variant of Uncertain Significance.

Fulgent Genetics
Classification: Uncertain significance for Exostoses, multiple, type 2; Seizures-scoliosis-macrocephaly syndrome. Last evaluated: 2024-04-08. Review status: criteria provided, single submitter. Criteria: ACMG Guidelines, 2015. Collection method: clinical testing. Allele origin: germline.

Revvity Omics, Revvity
Classification: Uncertain significance. Last evaluated: 2024-02-15. Review status: criteria provided, single submitter. Criteria: ACMG Guidelines, 2015. Collection method: clinical testing. Allele origin: germline.

Marseille Medical Genetics, U1251, Aix Marseille University, Inserm
Classification: Likely pathogenic for Seizures-scoliosis-macrocephaly syndrome. Last evaluated: 2018-07-07. Review status: criteria provided, single submitter. Criteria: ACMG Guidelines, 2015. Collection method: research. Allele origin: inherited. Inheritance: Autosomal recessive inheritance. Affected: yes. Observed: 2 variant alleles, 2 homozygotes. Clinical features observed: Autosomal recessive Severe Developmental Delay, Microcephaly, Seizures, Feeding Difficulties, Osteopenia.

Illumina Laboratory Services, Illumina
Classification: Likely benign for Exostoses, multiple, type 2. Last evaluated: 2018-01-13. Review status: criteria provided, single submitter. Criteria: ICSL Variant Classification Criteria 13 December 2019. Collection method: clinical testing. Allele origin: germline.
Comment: This variant was observed in the ICSL laboratory as part of a predisposition screen in an ostensibly healthy population. It had not been previously curated by ICSL or reported in the Human Gene Mutation Database (HGMD: prior to June 1st, 2018), and was therefore a candidate for classification through an automated scoring system. Utilizing variant allele frequency, disease prevalence and penetrance estimates, and inheritance mode, an automated score was calculated to assess if this variant is too frequent to cause the disease. Based on the score and internal cut-off values, a variant classified as likely benign is not then subjected to further curation. The score for this variant resulted in a classification of likely benign for this disease.

OMIM
Classification: Pathogenic for SEIZURES, SCOLIOSIS, AND MICROCEPHALY SYNDROME. Last evaluated: 2024-11-21. Review status: no assertion criteria provided. Collection method: literature only. Allele origin: germline. Not counted in ClinVar's aggregate classification.

Literature cited by the submitters: PubMed 30075207 (cited by Labcorp Genetics (formerly Invitae), Labcorp and OMIM).